The following is an entry in ClinVar:

ClinVar aggregate classification (germline): Conflicting classifications of pathogenicity. Review status: criteria provided, conflicting classifications (1 of 4 stars). 6 submissions from 6 submitters: Uncertain significance (2); Likely benign (3). 1 of the submissions does not count toward it. Last evaluated 2025-07-14.

Conditions:
Hb SS disease (SCD). Also called: Hemoglobin SS; Sickle cell anemia; Sickle cell disease; HbS disease; Hemoglobin S Disease; Sickling disorder due to hemoglobin S. Identifiers: Orphanet 232, Orphanet 275752, MedGen C0002895, MONDO:0011382, OMIM 603903.
Heinz body anemia. Also called: Heinz body hemolytic anemia. Identifiers: Orphanet 178330, MedGen C0700299, MONDO:0007705, OMIM 140700, HP:0005511.
Dominant beta-thalassemia. Also called: Beta-thalassemia, dominant inclusion body type. Identifiers: Orphanet 231226, Orphanet 848, MedGen C1858990, MONDO:0011381, OMIM 603902.
Beta-thalassemia HBB/LCRB. Identifiers: MedGen CN322236, MONDO:0013517, OMIM 613985.
Erythrocytosis, familial, 6. Also called: POLYCYTHEMIA, BETA-GLOBIN TYPE; ERYTHROCYTOSIS, BETA-GLOBIN TYPE. Identifiers: MedGen C4693822, MONDO:0054801, OMIM 617980.
METHEMOGLOBINEMIA, BETA TYPE. Also called: Methemoglobinemia, beta-globin type. Identifiers: MedGen C1840779, OMIM 617971.
Malaria, susceptibility to. Identifiers: Orphanet 673, MedGen C1970028, MONDO:0021024, OMIM 611162.
Hereditary persistence of fetal hemoglobin. Identifiers: MedGen C0019025, MONDO:0020989, OMIM 141749.
HEMOGLOBIN ATHENS-GEORGIA.

Allele frequency attached by ClinVar (database versions not stated): gnomAD 0.00001; gnomAD exomes 0.00001 and 0.00002; ExAC 0.00002.
gnomAD v4.1: 34 of 1,614,020 alleles (0.0021%); highest among the groups gnomAD compares: Non-Finnish European, 0.0027%; no homozygotes.

Submissions (6):

ARUP Laboratories, Molecular Genetics and Genomics, ARUP Laboratories
Classification: Likely benign. Last evaluated: 2025-07-14. Review status: criteria provided, single submitter. Criteria: ARUP Molecular Germline Variant Investigation Process 2024. Collection method: clinical testing. Allele origin: germline.
Comment: The Hb Athens-Georgia variant (HBB c.122G>A; p.Arg41Lys, also known as Arg40Lys when numbered from the mature protein, rs34831026, HbVar ID: 310, ClinVar Variation ID: 15099) has been described as having a slightly increased oxygen affinity, but normal Bohr effect and heme-heme interaction (Brown 1976, see HbVar link). This variant has not been associated with any worsening/compounding phenotype, even when found as compound heterozygous with a beta 0-thalassemia variant (Mrad 1989) and when found in a proband with Hb H disease who carried two alpha thalassemia deletions (Panyasai 2021). This variant is found in the general population with an overall allele frequency of 0.001% (3/251398 alleles) in the Genome Aggregation Database (v2.1.1). Based on available information, this variant is considered to be likely benign. References: Link to HbVar database: Brown WJ et al. Hemoglobin Athens-Georgia, or alpha 2 beta 2 40(C6)Arg replaced by Lys, a hemoglobin variant with an increased oxygen affinity. Biochim Biophys Acta. 1976 Jul 19;439(1):70-6. PMID: 8114. Mrad A et al. Hemoglobin Athens-Georgia [alpha 2 beta 2 40(C6)Arg-Lys] in association with beta 0-thalassemia in Tunisia. Am J Hematol. 1989 Oct;32(2):117-22. PMID: 2757008. Panyasai S et al. Hb Athens-Georgia (beta 40(C6) Arg?>?Lys, HBB:c.122G?>?A) with a single a-globin gene (Hb H disease) in a Thai family: molecular, hematological, and diagnostic aspects. Scand J Clin Lab Invest. 2021 Feb;81(1):52-58. PMID: 33287582.

Revvity Omics, Revvity
Classification: Uncertain significance. Last evaluated: 2024-09-16. Review status: criteria provided, single submitter. Criteria: ACMG Guidelines, 2015. Collection method: clinical testing. Allele origin: germline.

Women's Health and Genetics/Laboratory Corporation of America, LabCorp
Classification: Likely benign. Last evaluated: 2024-05-07. Review status: criteria provided, single submitter. Criteria: LabCorp Variant Classification Summary - May 2015. Collection method: clinical testing. Allele origin: germline.
Comment: Variant summary: HBB c.122G>A (p.Arg41Lys) results in a conservative amino acid change located in the Globin domain (IPR000971) of the encoded protein sequence. Three of five in-silico tools predict a damaging effect of the variant on protein function. The variant allele was found at a frequency of 1.2e-05 in 251398 control chromosomes. The available data on variant occurrences in the general population are insufficient to allow any conclusion about variant significance. c.122G>A has been reported in the literature as Hb-Athens-Georgia/Hb-Waco and has been associated with normal hematological parameters, a normal heme-heme interaction, normal Bohr effect, normal/reduced heme-heme interaction and increased oxygen affinity (example, Brown_1976, Moo-Penn_1977, Mrad_1989). It has recently been reported in a family with HbH disease resulting from alpha thalassemia deletions where the impact of this beta globin variant was not significant and a family member had normal hematological parameters with the authors concluding that this variant is non-pathological (example, Panyasai_2021). These report(s) do not provide unequivocal conclusions about association of the variant with Hemoglobinopathy. The following publications have been ascertained in the context of this evaluation (PMID: 14597, 8114, 2757008, 33287582). ClinVar contains an entry for this variant (Variation ID: 15099). Based on the evidence outlined above, the variant was classified as likely benign.

Fulgent Genetics
Classification: Uncertain significance for Heinz body anemia; Hereditary persistence of fetal hemoglobin; Dominant beta-thalassemia; Hb SS disease; Malaria, susceptibility to; Beta-thalassemia HBB/LCRB; METHEMOGLOBINEMIA, BETA TYPE; Erythrocytosis, familial, 6. Last evaluated: 2024-01-25. Review status: criteria provided, single submitter. Criteria: ACMG Guidelines, 2015. Collection method: clinical testing. Allele origin: germline.

Quest Diagnostics Nichols Institute San Juan Capistrano
Classification: Likely benign. Last evaluated: 2022-12-22. Review status: criteria provided, single submitter. Criteria: Quest Diagnostics criteria. Collection method: clinical testing. Allele origin: unknown.

OMIM
Classification: other for HEMOGLOBIN ATHENS-GEORGIA. Last evaluated: 2017-12-12. Review status: no assertion criteria provided. Collection method: literature only. Allele origin: germline. Not counted in ClinVar's aggregate classification.

Literature cited by the submitters: PubMed 14597 (cited by Women's Health and Genetics/Laboratory Corporation of America, LabCorp); PubMed 8114 (cited by 3 submitters); PubMed 2757008 (cited by Women's Health and Genetics/Laboratory Corporation of America, LabCorp); PubMed 33287582 (cited by Women's Health and Genetics/Laboratory Corporation of America, LabCorp and Quest Diagnostics Nichols Institute San Juan Capistrano); PubMed 31553106 (cited by Quest Diagnostics Nichols Institute San Juan Capistrano); PubMed 1634360 (cited by Quest Diagnostics Nichols Institute San Juan Capistrano and OMIM); PubMed 19429541 (cited by Quest Diagnostics Nichols Institute San Juan Capistrano).

NM_000518.5(HBB):c.122G>A (p.Arg41Lys)

Genes: HBB (hemoglobin subunit beta; minus strand), LOC106099062 (HBB recombination region; plus strand), LOC107133510 (origin of replication at HBB; plus strand). Cytogenetic location: 11p15.4.
Variant type: single nucleotide variant.
Coding change: c.122G>A on transcript NM_000518.5 (MANE Select); coding-DNA position 122, G replaced by A.
Protein change: p.Arg41Lys; replaces arginine 41 with lysine.
Molecular consequence: missense variant.
Genome position (GRCh38, 1-based): chr11:5,226,770, C>T on the plus strand (G>A on the coding strand, the complement: HBB is on the minus strand). VCF-style: chr11-5226770-C-T. GRCh37 (hg19) VCF-style: chr11-5248000-C-T.
Other names: R40K; Hb Waco; short protein forms R41K.
Identifiers: ClinVar variation 15099 (VCV000015099.24), dbSNP rs34831026, ClinGen allele CA124728.